The following is an entry in ClinVar:

ClinVar aggregate classification (germline): Uncertain significance (1 of 4 stars; one submission).

Submission:

Labcorp Genetics (formerly Invitae), Labcorp
Classification: Uncertain significance. Last evaluated: 2024-07-03. Review status: criteria provided, single submitter. Criteria: Invitae Variant Classification Sherloc (09022015). Collection method: clinical testing. Allele origin: germline.
Comment: This variant, c.6138_6161del, results in the deletion of 8 amino acid(s) of the KMT2B protein (p.Leu2047_Gly2054del), but otherwise preserves the integrity of the reading frame. This variant is not present in population databases (gnomAD no frequency). This variant has not been reported in the literature in individuals affected with KMT2B-related conditions. Experimental studies and prediction algorithms are not available or were not evaluated, and the functional significance of this variant is currently unknown. In summary, the available evidence is currently insufficient to determine the role of this variant in disease. Therefore, it has been classified as a Variant of Uncertain Significance.

NM_014727.3(KMT2B):c.6138_6161del (p.Leu2047_Gly2054del)

Gene: KMT2B (lysine methyltransferase 2B; plus strand). Cytogenetic location: 19q13.12.
Variant type: Deletion.
Coding change: c.6138_6161del on transcript NM_014727.3 (MANE Select); coding-DNA positions 6138 to 6161, 24 bases deleted (TCTGGCCCCCAGCGCTACCCCTGG).
Protein change: p.Leu2047_Gly2054del.
Molecular consequence: inframe deletion.
Genome position (GRCh38, 1-based): chr19:35,732,687-35,732,710, TCTGGCCCCCAGCGCTACCCCTGG deleted; deleting any 24 consecutive bases within chr19:35,732,680-35,732,710 gives the same sequence; the c. name uses the placement nearest the transcript's 3' end. VCF-style (leftmost placement, unchanged base first): chr19-35732679-GCCCCTGGTCTGGCCCCCAGCGCTA-G. GRCh37 (hg19) VCF-style: chr19-36223580-GCCCCTGGTCTGGCCCCCAGCGCTA-G.
Identifiers: ClinVar variation 3618588 (VCV003618588.2).